The following is an entry in ClinVar:

NM_006019.4(TCIRG1):c.1063C>T (p.Arg355Trp)

Gene: TCIRG1 (T cell immune regulator 1, ATPase H+ transporting V0 subunit a3; plus strand). Cytogenetic location: 11q13.2.
Variant type: single nucleotide variant.
Coding change: c.1063C>T on transcript NM_006019.4 (MANE Select); coding-DNA position 1063, C replaced by T.
Protein change: p.Arg355Trp; replaces arginine 355 with tryptophan.
Molecular consequence: missense variant.
Genome position (GRCh38, 1-based): chr11:68,045,000, C>T. VCF-style: chr11-68045000-C-T. GRCh37 (hg19) VCF-style: chr11-67812467-C-T.
Other names: c.1063C>T (NM_006019.3); c.169C>T, p.Arg57Trp (NM_001351059.2); c.415C>T, p.Arg139Trp (NM_006053.4); short protein forms R57W, R139W, R355W.
Identifiers: ClinVar variation 3600164 (VCV003600164.4).

ClinVar aggregate classification (germline): Uncertain significance. Review status: criteria provided, multiple submitters, no conflicts (2 of 4 stars). 3 submissions from 3 submitters: Uncertain significance (3). Last evaluated 2026-02-25.

Conditions:
Autosomal recessive osteopetrosis 1. Also called: ALBERS-SCHONBERG DISEASE, AUTOSOMAL RECESSIVE; TCIRG1-Related Osteopetrosis; TCIRG1-Related Autosomal Recessive Osteopetrosis. Identifiers: Orphanet 667, MedGen C1850127, MONDO:0009815, OMIM 259700.
Inborn genetic diseases. Identifiers: MedGen C0950123, MeSH D030342.

gnomAD v4.1: 10 of 1,608,834 alleles (0.00062%); highest among the groups gnomAD compares: Admixed American, 0.012%; no homozygotes.

Submissions (3):

Ambry Genetics
Classification: Uncertain significance for Inborn genetic diseases. Last evaluated: 2026-02-25. Review status: criteria provided, single submitter. Criteria: Ambry Variant Classification Scheme 2023. Collection method: clinical testing. Allele origin: germline.

Labcorp Genetics (formerly Invitae), Labcorp
Classification: Uncertain significance. Last evaluated: 2024-11-02. Review status: criteria provided, single submitter. Criteria: Invitae Variant Classification Sherloc (09022015). Collection method: clinical testing. Allele origin: germline.
Comment: This sequence change replaces arginine, which is basic and polar, with tryptophan, which is neutral and slightly polar, at codon 355 of the TCIRG1 protein (p.Arg355Trp). The frequency data for this variant in the population databases is considered unreliable, as metrics indicate poor data quality at this position in the gnomAD database. This variant has not been reported in the literature in individuals affected with TCIRG1-related conditions. Invitae Evidence Modeling of protein sequence and biophysical properties (such as structural, functional, and spatial information, amino acid conservation, physicochemical variation, residue mobility, and thermodynamic stability) indicates that this missense variant is not expected to disrupt TCIRG1 protein function with a negative predictive value of 80%. In summary, the available evidence is currently insufficient to determine the role of this variant in disease. Therefore, it has been classified as a Variant of Uncertain Significance.

Fulgent Genetics
Classification: Uncertain significance for Autosomal recessive osteopetrosis 1. Last evaluated: 2024-05-10. Review status: criteria provided, single submitter. Criteria: ACMG Guidelines, 2015. Collection method: clinical testing. Allele origin: germline.